The following is an entry in ClinVar:

ClinVar aggregate classification (germline): Uncertain significance. Review status: criteria provided, multiple submitters, no conflicts (2 of 4 stars). 2 submissions from 2 submitters: Uncertain significance (2). Last evaluated 2025-09-02.

Conditions:
Hereditary cancer-predisposing syndrome. Also called: Neoplastic Syndromes, Hereditary; Tumor predisposition; Hereditary neoplastic syndrome; Hereditary Cancer Syndrome. Identifiers: Orphanet 140162, MedGen C0027672, MeSH D009386, MONDO:0015356.

Allele frequency attached by ClinVar (database versions not stated): gnomAD exomes below 0.00001.
gnomAD v4.1: 6 of 1,612,428 alleles (0.00037%); highest among the groups gnomAD compares: Non-Finnish European, 0.00051%; no homozygotes.

Submissions (2):

Labcorp Genetics (formerly Invitae), Labcorp
Classification: Uncertain significance for Hereditary cancer-predisposing syndrome. Last evaluated: 2025-09-02. Review status: criteria provided, single submitter. Criteria: Invitae Variant Classification Sherloc (09022015). Collection method: clinical testing. Allele origin: germline.
Comment: This sequence change replaces leucine, which is neutral and non-polar, with methionine, which is neutral and non-polar, at codon 439 of the RAD50 protein (p.Leu439Met). This variant is not present in population databases (gnomAD no frequency). This variant has not been reported in the literature in individuals affected with RAD50-related conditions. ClinVar contains an entry for this variant (Variation ID: 2451434). Invitae Evidence Modeling of protein sequence and biophysical properties (such as structural, functional, and spatial information, amino acid conservation, physicochemical variation, residue mobility, and thermodynamic stability) indicates that this missense variant is not expected to disrupt RAD50 protein function with a negative predictive value of 80%. In summary, the available evidence is currently insufficient to determine the role of this variant in disease. Therefore, it has been classified as a Variant of Uncertain Significance.

Ambry Genetics
Classification: Uncertain significance for Hereditary cancer-predisposing syndrome. Last evaluated: 2023-02-25. Review status: criteria provided, single submitter. Criteria: Ambry Variant Classification Scheme 2023. Collection method: clinical testing. Allele origin: germline.
Comment: The p.L439M variant (also known as c.1315C>A), located in coding exon 9 of the RAD50 gene, results from a C to A substitution at nucleotide position 1315. The leucine at codon 439 is replaced by methionine, an amino acid with highly similar properties. This amino acid position is conserved. In addition, this alteration is predicted to be tolerated by in silico analysis. Since supporting evidence is limited at this time, the clinical significance of this alteration remains unclear.

NM_005732.4(RAD50):c.1315C>A (p.Leu439Met)

Gene: RAD50 (RAD50 double strand break repair protein; plus strand). Cytogenetic location: 5q31.1.
Variant type: single nucleotide variant.
Coding change: c.1315C>A on transcript NM_005732.4 (MANE Select); coding-DNA position 1315, C replaced by A.
Protein change: p.Leu439Met; replaces leucine 439 with methionine.
Molecular consequence: missense variant.
Genome position (GRCh38, 1-based): chr5:132,589,700, C>A. VCF-style: chr5-132589700-C-A. GRCh37 (hg19) VCF-style: chr5-131925392-C-A.
Other names: c.1315C>A (NM_005732.3); short protein forms L439M.
Identifiers: ClinVar variation 2451434 (VCV002451434.5), dbSNP rs1554098317, ClinGen allele CA360943801.